The following is an entry in ClinVar:

NM_025132.4(WDR19):c.2671C>T (p.His891Tyr)

Gene: WDR19 (WD repeat domain 19; plus strand). Cytogenetic location: 4p14.
Variant type: single nucleotide variant.
Coding change: c.2671C>T on transcript NM_025132.4 (MANE Select); coding-DNA position 2671, C replaced by T.
Protein change: p.His891Tyr; replaces histidine 891 with tyrosine.
Molecular consequence: missense variant.
Genome position (GRCh38, 1-based): chr4:39,245,394, C>T. VCF-style: chr4-39245394-C-T. GRCh37 (hg19) VCF-style: chr4-39247014-C-T.
Other names: c.2191C>T, p.His731Tyr (NM_001317924.2); short protein forms H891Y, H731Y.
Identifiers: ClinVar variation 286674 (VCV000286674.27), dbSNP rs200266424, ClinGen allele CA2892155.
Genomic context (GRCh38, chr4:39,245,394, plus strand): 5'-GTACTCATACTGTTCTCCTGGACCTACCTTTCCAGGGCAAAAGTTGGTGATCTTCTGCCC[C>T]ACGTTTCTTCTCCTAAGATCCATTTGCAGTATGCCAAAGCCAAGGAAGCAGATGGAAGGT-3'
Protein context (NP_079408.3, residues 881-901): NWAKVGDLLP[His891Tyr]VSSPKIHLQY

ClinVar aggregate classification (germline): Conflicting classifications of pathogenicity. Review status: criteria provided, conflicting classifications (1 of 4 stars). 6 submissions from 6 submitters: Uncertain significance (2); Likely benign (4). Last evaluated 2026-02-17.

Conditions:
Inborn genetic diseases. Identifiers: MedGen C0950123, MeSH D030342.
WDR19-related disorder. Also called: WDR19-related condition; WDR19-related disorders. Identifiers: MedGen CN380161.
Senior-Loken syndrome 8 (SLSN8). Identifiers: Orphanet 3156, MedGen C4225376, MONDO:0014579, OMIM 616307.
Asphyxiating thoracic dystrophy 5 (SRTD5). Also called: SHORT-RIB THORACIC DYSPLASIA 5 WITH OR WITHOUT POLYDACTYLY; SHORT-RIB THORACIC DYSPLASIA 5 WITHOUT POLYDACTYLY. Identifiers: Orphanet 474, MedGen C3280598, MONDO:0013717, OMIM 614376.

Allele frequency attached by ClinVar (database versions not stated): gnomAD exomes 0.00008 and 0.00018; ExAC 0.00027; 1000 Genomes Project 30x 0.00062; gnomAD 0.00062 and 0.00068; TOPMed 0.00077; 1000 Genomes Project 0.00080; ESP Exome Variant Server 0.00100.
gnomAD v4.1: 207 of 1,613,638 alleles (0.013%); highest among the groups gnomAD compares: African/African-American, 0.26%; no homozygotes.

Submissions (6):

PreventionGenetics, part of Exact Sciences
Classification: Likely benign for WDR19-related condition. Last evaluated: 2026-02-17. Review status: criteria provided, single submitter. Criteria: ACMG Guidelines, 2015. Collection method: clinical testing. Allele origin: germline.
Comment: This variant is classified as likely benign based on ACMG/AMP sequence variant interpretation guidelines (Richards et al. 2015 PMID: 25741868, with internal and published modifications).

Labcorp Genetics (formerly Invitae), Labcorp
Classification: Likely benign for Senior-Loken syndrome 8; Asphyxiating thoracic dystrophy 5. Last evaluated: 2026-01-16. Review status: criteria provided, single submitter. Criteria: Invitae Variant Classification Sherloc (09022015). Collection method: clinical testing. Allele origin: germline.

Blueprint Genetics
Classification: Likely benign. Last evaluated: 2024-08-06. Review status: criteria provided, single submitter. Criteria: ACMG Guidelines, 2015. Collection method: clinical testing. Allele origin: germline.

Ambry Genetics
Classification: Uncertain significance for Inborn genetic diseases. Last evaluated: 2022-09-14. Review status: criteria provided, single submitter. Criteria: Ambry Variant Classification Scheme 2023. Collection method: clinical testing. Allele origin: germline.

ARUP Laboratories, Molecular Genetics and Genomics, ARUP Laboratories
Classification: Uncertain significance. Last evaluated: 2018-05-18. Review status: criteria provided, single submitter. Criteria: ARUP Molecular Germline Variant Investigation Process. Collection method: clinical testing. Allele origin: germline.
Comment: The WDR19 c.2671C>T; p.His891Tyr variant (rs200266424), to our knowledge, is not described in the medical literature but is reported as likely benign by one laboratory in ClinVar (Variation ID: 286674) and observed in the African population at an overall frequency of 0.26% (62/23996 alleles) in the Genome Aggregation Database. The histidine at codon 891 is moderately conserved, but computational algorithms (PolyPhen-2, SIFT) predict that this variant is tolerated. Due to the lack of clinical and functional data regarding this variant, its clinical significance cannot be determined with certainty. Pathogenic WDR19 variants are inherited in an autosomal recessive manner, and are associated with cranioectodermal dysplasia (MIM: 614378), short-rib thoracic dysplasia (MIM: 614376), nephronophthisis (MIM: 614377), and Senior-Loken syndrome (MIM: 616307).

Eurofins Ntd Llc (ga)
Classification: Likely benign. Last evaluated: 2016-04-08. Review status: criteria provided, single submitter. Criteria: EGL Classification Definitions 2015. Collection method: clinical testing. Allele origin: germline. Observed: 1 variant allele, 1 heterozygote.